The following is an entry in ClinVar:

NM_176869.3(PPA2):c.733G>A (p.Asp245Asn)

Gene: PPA2 (inorganic pyrophosphatase 2; minus strand). Cytogenetic location: 4q24.
Variant type: single nucleotide variant.
Coding change: c.733G>A on transcript NM_176869.3 (MANE Select); coding-DNA position 733, G replaced by A.
Protein change: p.Asp245Asn; replaces aspartic acid 245 with asparagine.
Molecular consequence: missense variant.
Genome position (GRCh38, 1-based): chr4:105,399,087, C>T on the plus strand (G>A on the coding strand, the complement: PPA2 is on the minus strand). VCF-style: chr4-105399087-C-T. GRCh37 (hg19) VCF-style: chr4-106320244-C-T.
Other names: c.646G>A, p.Asp216Asn (NM_006903.4); c.427G>A, p.Asp143Asn (NM_176866.2); c.235G>A, p.Asp79Asn (NM_176867.3); c.733G>A (NM_176869.2); short protein forms D143N, D245N, D216N, D79N.
Identifiers: ClinVar variation 1374800 (VCV001374800.5), dbSNP rs768228326, ClinGen allele CA3032444.

ClinVar aggregate classification (germline): Uncertain significance. Review status: criteria provided, multiple submitters, no conflicts (2 of 4 stars). 2 submissions from 2 submitters: Uncertain significance (2). Last evaluated 2025-05-15.

Conditions:
Inborn genetic diseases. Identifiers: MedGen C0950123, MeSH D030342.

Allele frequency attached by ClinVar (database versions not stated): ExAC 0.00002; gnomAD 0.00004 and 0.00003; TOPMed 0.00005; gnomAD exomes 0.00005.
gnomAD v4.1: 81 of 1,610,866 alleles (0.005%); highest among the groups gnomAD compares: Non-Finnish European, 0.0068%; no homozygotes.

Submissions (2):

Ambry Genetics
Classification: Uncertain significance for Inborn genetic diseases. Last evaluated: 2025-05-15. Review status: criteria provided, single submitter. Criteria: Ambry Variant Classification Scheme 2023. Collection method: clinical testing. Allele origin: germline.

Labcorp Genetics (formerly Invitae), Labcorp
Classification: Uncertain significance. Last evaluated: 2022-08-20. Review status: criteria provided, single submitter. Criteria: Invitae Variant Classification Sherloc (09022015). Collection method: clinical testing. Allele origin: germline.
Comment: This sequence change replaces aspartic acid, which is acidic and polar, with asparagine, which is neutral and polar, at codon 245 of the PPA2 protein (p.Asp245Asn). This variant is present in population databases (rs768228326, gnomAD 0.009%). This variant has not been reported in the literature in individuals affected with PPA2-related conditions. ClinVar contains an entry for this variant (Variation ID: 1374800). Algorithms developed to predict the effect of missense changes on protein structure and function (SIFT, PolyPhen-2, Align-GVGD) all suggest that this variant is likely to be tolerated. In summary, the available evidence is currently insufficient to determine the role of this variant in disease. Therefore, it has been classified as a Variant of Uncertain Significance.